The following is an entry in ClinVar:

NM_001165963.4(SCN1A):c.2058A>G (p.Glu686=)

Gene: SCN1A (sodium voltage-gated channel alpha subunit 1; minus strand). Cytogenetic location: 2q24.3.
Variant type: single nucleotide variant.
Coding change: c.2058A>G on transcript NM_001165963.4 (MANE Select); coding-DNA position 2058, A replaced by G.
Protein change: p.Glu686=; no amino-acid change (glutamic acid 686 retained).
Molecular consequence: synonymous variant. On other transcripts: 5 prime UTR variant (1), non-coding transcript variant (1).
Genome position (GRCh38, 1-based): chr2:166,042,410, T>C on the plus strand (A>G on the coding strand, the complement: SCN1A is on the minus strand). VCF-style: chr2-166042410-T-C. GRCh37 (hg19) VCF-style: chr2-166898920-T-C.
Other names: c.1971A>G, p.Glu657= (NM_001353960.2); c.-401A>G (NM_001353961.2); c.2025A>G, p.Glu675= (NM_006920.6, NM_001353949.2, NM_001353950.2 and 2 more transcripts); c.1974A>G, p.Glu658= (NM_001165964.3, NM_001353957.2, NM_001353958.2); c.2058A>G, p.Glu686= (NM_001202435.3, NM_001353948.2); c.2022A>G, p.Glu674= (NM_001353954.2, NM_001353955.2).
Identifiers: ClinVar variation 3778440 (VCV003778440.7).
Genomic context (GRCh38, chr2:166,042,410, plus strand): 5'-ATCTTCTAGAAAGTCCATGGAAACGTGGAAAGAACTTGACCTTCTCTTTCTCATTTCAGT[T>C]TCAGTGGTTGTTCCCTGTAAAAAAAAATGCTAATGCATTAAACAATTAATTTGAGCAATA-3'
Protein context (NP_001159435.1, residues 676-696): PATDDNGTTT[Glu686=]TEMRKRRSSS

ClinVar aggregate classification (germline): Uncertain significance (1 of 4 stars; one submission).

Submission:

CeGaT Center for Human Genetics Tuebingen
Classification: Uncertain significance. Last evaluated: 2025-03-01. Review status: criteria provided, single submitter. Criteria: CeGaT Center For Human Genetics Tuebingen Variant Classification Criteria Version 2. Collection method: clinical testing. Allele origin: germline. Affected: yes. Observed: 1 variant allele.
Comment: SCN1A: PM2:Supporting, BP4